The following is an entry in ClinVar:

NM_002775.5(HTRA1):c.1221C>T (p.Asp407=)

Gene: HTRA1 (HtrA serine peptidase 1; plus strand). Cytogenetic location: 10q26.13.
Variant type: single nucleotide variant.
Coding change: c.1221C>T on transcript NM_002775.5 (MANE Select); coding-DNA position 1221, C replaced by T.
Protein change: p.Asp407=; no amino-acid change (aspartic acid 407 retained).
Molecular consequence: synonymous variant.
Genome position (GRCh38, 1-based): chr10:122,512,012, C>T. VCF-style: chr10-122512012-C-T. GRCh37 (hg19) VCF-style: chr10-124271528-C-T.
Other names: p.Asp407=.
Identifiers: ClinVar variation 299052 (VCV000299052.21), dbSNP rs11538140, ClinGen allele CA5726108.

ClinVar aggregate classification (germline): Benign/Likely benign. Review status: criteria provided, multiple submitters, no conflicts (2 of 4 stars). 8 submissions from 8 submitters: Benign (3); Likely benign (3). 2 of the submissions do not count toward it. Last evaluated 2026-01-18.

Conditions:
Macular degeneration. Also called: Degenerative disorder of macula. Identifiers: MedGen C0024437, MONDO:0003004, HP:0000608.

Allele frequency attached by ClinVar (database versions not stated): TOPMed 0.00280; gnomAD 0.00305 and 0.00313; 1000 Genomes Project 30x 0.00375; gnomAD exomes 0.00397; 1000 Genomes Project 0.00419; ESP Exome Variant Server 0.00192; ExAC 0.00441.
gnomAD v4.1: 5,530 of 1,613,950 alleles (0.34%); highest among the groups gnomAD compares: East Asian, 1.7%; 20 homozygotes.

Submissions (8):

Labcorp Genetics (formerly Invitae), Labcorp
Classification: Benign. Last evaluated: 2026-01-18. Review status: criteria provided, single submitter. Criteria: Invitae Variant Classification Sherloc (09022015). Collection method: clinical testing. Allele origin: germline.

Blueprint Genetics
Classification: Likely benign. Last evaluated: 2024-11-15. Review status: criteria provided, single submitter. Criteria: ACMG Guidelines, 2015. Collection method: clinical testing. Allele origin: germline.

Athena Diagnostics
Classification: Benign. Last evaluated: 2024-08-20. Review status: criteria provided, single submitter. Criteria: Athena Diagnostics Criteria. Collection method: clinical testing. Allele origin: unknown.

Mayo Clinic Laboratories, Mayo Clinic
Classification: Benign. Last evaluated: 2024-01-02. Review status: criteria provided, single submitter. Criteria: ACMG Guidelines, 2015. Collection method: clinical testing. Allele origin: germline. Observed: 5 variant alleles.
Comment: BA1, BS2, BP4, BP7

Illumina Laboratory Services, Illumina
Classification: Likely benign for Macular degeneration. Last evaluated: 2017-04-27. Review status: criteria provided, single submitter. Criteria: ICSL Variant Classification Criteria 13 December 2019. Collection method: clinical testing. Allele origin: germline.
Comment: This variant was observed as part of a predisposition screen in an ostensibly healthy population. A literature search was performed for the gene, cDNA change, and amino acid change (where applicable). Publications were found based on this search. The evidence from the literature, in combination with allele frequency data from public databases where available, was sufficient to determine this variant is unlikely to cause disease. Therefore, this variant is classified as likely benign.

Breakthrough Genomics
Classification: Likely benign. Review status: criteria provided, single submitter. Criteria: ACMG Guidelines, 2015. Collection method: not provided. Allele origin: germline. Inheritance: Autosomal recessive inheritance. Affected: yes.

Genome Diagnostics Laboratory, Amsterdam University Medical Center
Classification: Likely benign. Review status: no assertion criteria provided. Collection method: clinical testing. Allele origin: germline. Affected: yes. Study: VKGL Data-share Consensus. Not counted in ClinVar's aggregate classification.

Laboratory of Diagnostic Genome Analysis, Leiden University Medical Center (LUMC)
Classification: Likely benign. Review status: no assertion criteria provided. Collection method: clinical testing. Allele origin: germline. Affected: yes. Study: VKGL Data-share Consensus. Not counted in ClinVar's aggregate classification.

Literature cited by the submitters: PubMed 18316707 (cited by Athena Diagnostics and Illumina Laboratory Services, Illumina); PubMed 27338780 (cited by Athena Diagnostics); PubMed 18164066 (cited by Athena Diagnostics and Illumina Laboratory Services, Illumina).